The following is an entry in ClinVar:

ClinVar aggregate classification (germline): Uncertain significance. Review status: criteria provided, multiple submitters, no conflicts (2 of 4 stars). 3 submissions from 3 submitters: Uncertain significance (3). Last evaluated 2023-11-27.

Conditions:
Inborn genetic diseases. Identifiers: MedGen C0950123, MeSH D030342.

Allele frequency attached by ClinVar (database versions not stated): ExAC 0.00002; gnomAD 0.00002 and 0.00003; TOPMed 0.00006; ESP Exome Variant Server 0.00023.
gnomAD v4.1: 20 of 1,608,934 alleles (0.0012%); highest among the groups gnomAD compares: African/African-American, 0.024%; no homozygotes.

Submissions (3):

Labcorp Genetics (formerly Invitae), Labcorp
Classification: Uncertain significance. Last evaluated: 2023-11-27. Review status: criteria provided, single submitter. Criteria: Invitae Variant Classification Sherloc (09022015). Collection method: clinical testing. Allele origin: germline.
Comment: This sequence change replaces lysine, which is basic and polar, with threonine, which is neutral and polar, at codon 389 of the KCNV2 protein (p.Lys389Thr). This variant is present in population databases (rs150231850, gnomAD 0.02%). This variant has not been reported in the literature in individuals affected with KCNV2-related conditions. ClinVar contains an entry for this variant (Variation ID: 1036625). Advanced modeling of protein sequence and biophysical properties (such as structural, functional, and spatial information, amino acid conservation, physicochemical variation, residue mobility, and thermodynamic stability) performed at Invitae indicates that this missense variant is expected to disrupt KCNV2 protein function with a positive predictive value of 80%. In summary, the available evidence is currently insufficient to determine the role of this variant in disease. Therefore, it has been classified as a Variant of Uncertain Significance.

Ambry Genetics
Classification: Uncertain significance for Inborn genetic diseases. Last evaluated: 2023-05-30. Review status: criteria provided, single submitter. Criteria: Ambry Variant Classification Scheme 2023. Collection method: clinical testing. Allele origin: germline.

Blueprint Genetics
Classification: Uncertain significance. Last evaluated: 2023-01-31. Review status: criteria provided, single submitter. Criteria: ACMG Guidelines, 2015. Collection method: clinical testing. Allele origin: germline.

NM_133497.4(KCNV2):c.1166A>C (p.Lys389Thr)

Gene: KCNV2 (potassium voltage-gated channel modifier subfamily V member 2; plus strand). Cytogenetic location: 9p24.2.
Variant type: single nucleotide variant.
Coding change: c.1166A>C on transcript NM_133497.4 (MANE Select); coding-DNA position 1166, A replaced by C.
Protein change: p.Lys389Thr; replaces lysine 389 with threonine.
Molecular consequence: missense variant.
Genome position (GRCh38, 1-based): chr9:2,718,905, A>C. VCF-style: chr9-2718905-A-C. GRCh37 (hg19) VCF-style: chr9-2718905-A-C.
Other names: c.1166A>C (NM_133497.3); short protein forms K389T.
Identifiers: ClinVar variation 1036625 (VCV001036625.7), dbSNP rs150231850, ClinGen allele CA4965800.